The following is an entry in ClinVar:

NM_000180.4(GUCY2D):c.2034C>T (p.Phe678=)

Gene: GUCY2D (guanylate cyclase 2D, retinal; plus strand). Cytogenetic location: 17p13.1.
Variant type: single nucleotide variant.
Coding change: c.2034C>T on transcript NM_000180.4 (MANE Select); coding-DNA position 2034, C replaced by T.
Protein change: p.Phe678=; no amino-acid change (phenylalanine 678 retained).
Molecular consequence: synonymous variant.
Genome position (GRCh38, 1-based): chr17:8,012,527, C>T. VCF-style: chr17-8012527-C-T. GRCh37 (hg19) VCF-style: chr17-7915845-C-T.
Identifiers: ClinVar variation 502215 (VCV000502215.16), dbSNP rs776298636, ClinGen allele CA8365971.
Genomic context (GRCh38, chr17:8,012,527, plus strand): 5'-CCATCGAGGCGTGGCTCATGGGCGGCTGAAGTCACGGAACTGCATAGTGGATGGCAGATT[C>T]GTACTCAAGATCACTGACCACGGCCACGGGAGACTGCTGGAAGCACAGAAGGTGCTACCG-3'
Protein context (NP_000171.1, residues 668-688): KSRNCIVDGR[Phe678=]VLKITDHGHG

ClinVar aggregate classification (germline): Conflicting classifications of pathogenicity. Review status: criteria provided, conflicting classifications (1 of 4 stars). 3 submissions from 3 submitters: Uncertain significance (1); Likely benign (2). Last evaluated 2025-10-29.

Conditions:
GUCY2D-related disorder. Also called: GUCY2D-related condition.
Leber congenital amaurosis 1 (LCA1). Also called: AMAUROSIS CONGENITA OF LEBER I; Congenital absence of the rods and cones; Leber's congenital tapetoretinal degeneration; Leber's congenital tapetoretinal dysplasia; RETINAL BLINDNESS, CONGENITAL. Identifiers: Orphanet 65, MedGen C2931258, MONDO:0008764, OMIM 204000.
Cone-rod dystrophy 6 (CORD6). Also called: RETINAL CONE DYSTROPHY 2; Cone dystrophy progressive. Identifiers: Orphanet 1872, MedGen C1866293, MONDO:0011143, OMIM 601777.

Allele frequency attached by ClinVar (database versions not stated): TOPMed below 0.00001; ExAC 0.00001; gnomAD exomes 0.00002.

Submissions (3):

PreventionGenetics, part of Exact Sciences
Classification: Likely benign for GUCY2D-related condition. Last evaluated: 2025-10-29. Review status: criteria provided, single submitter. Criteria: ACMG Guidelines, 2015. Collection method: clinical testing. Allele origin: germline.
Comment: This variant is classified as likely benign based on ACMG/AMP sequence variant interpretation guidelines (Richards et al. 2015 PMID: 25741868, with internal and published modifications).

Labcorp Genetics (formerly Invitae), Labcorp
Classification: Likely benign for Leber congenital amaurosis 1; Cone-rod dystrophy 6. Last evaluated: 2024-01-14. Review status: criteria provided, single submitter. Criteria: Invitae Variant Classification Sherloc (09022015). Collection method: clinical testing. Allele origin: germline.

Eurofins Ntd Llc (ga)
Classification: Uncertain significance. Last evaluated: 2017-06-08. Review status: criteria provided, single submitter. Criteria: EGL Classification Definitions 2015. Collection method: clinical testing. Allele origin: germline. Observed: 1 variant allele, 1 heterozygote.